The following is an entry in ClinVar:

ClinVar aggregate classification (germline): Pathogenic (1 of 4 stars; one submission).

Submission:

Athena Diagnostics
Classification: Pathogenic. Last evaluated: 2021-07-29. Review status: criteria provided, single submitter. Criteria: Athena Diagnostics Criteria. Collection method: clinical testing. Allele origin: unknown.
Comment: This variant is expected to severely impact normal RNA splicing, and consequently, protein structure and/or function. This variant has not been reported in large, multi-ethnic general populations. This variant has been identified in at least one individual tested at Athena Diagnostics with clinical features associated with this gene.

NM_175914.5(HNF4A):c.50-1G>A

Gene: HNF4A (hepatocyte nuclear factor 4 alpha; plus strand). Cytogenetic location: 20q13.12.
Variant type: single nucleotide variant.
Coding change: c.50-1G>A on transcript NM_175914.5 (MANE Select); the canonical splice acceptor site of the intron before coding-DNA position 50, G replaced by A.
Molecular consequence: splice acceptor variant.
Genome position (GRCh38, 1-based): chr20:44,406,057, G>A. VCF-style: chr20-44406057-G-A. GRCh37 (hg19) VCF-style: chr20-43034697-G-A.
Other names: c.41-1G>A (NM_001287182.2, NM_001287183.2, NM_001287184.2); c.50-1G>A (NM_001030003.3, NM_001030004.3); c.95-1G>A (NM_001258355.2); c.116-1G>A (NM_178849.3, NM_000457.6, NM_178850.3).
Identifiers: ClinVar variation 1807419 (VCV001807419.1), dbSNP rs2515643922, ClinGen allele CA409103647.